The following is an entry in ClinVar:

NM_000186.4(CFH):c.2485dup (p.Tyr829fs)

Gene: CFH (complement factor H; plus strand). Cytogenetic location: 1q31.3.
Variant type: Duplication.
Coding change: c.2485dup on transcript NM_000186.4 (MANE Select); coding-DNA position 2485, one base duplicated (T; older notation c.2485dupT).
Protein change: p.Tyr829fs; shifts the reading frame from tyrosine 829.
Molecular consequence: frameshift variant.
Genome position (GRCh38, 1-based): chr1:196,736,895, T duplicated; the last of 2 consecutive T bases (chr1:196,736,894-196,736,895); duplicating either gives the same sequence. VCF-style (leftmost placement, unchanged base first): chr1-196736893-A-AT. GRCh37 (hg19) VCF-style: chr1-196706023-A-AT.
Other names: short protein forms Y829fs.
Identifiers: ClinVar variation 3383230 (VCV003383230.1).

ClinVar aggregate classification (germline): Pathogenic (1 of 4 stars; one submission).

Conditions:
Hemolytic uremic syndrome, atypical, susceptibility to, 1. Also called: AHUS, SUSCEPTIBILITY TO, 1. Identifiers: Orphanet 2134, Orphanet 90038, MedGen C2749604, MONDO:0009335, OMIM 235400. Disease mechanism: Other.

Submission:

MVZ Medizinische Genetik Mainz
Classification: Pathogenic for Hemolytic uremic syndrome, atypical, susceptibility to, 1. Last evaluated: 2024-10-18. Review status: criteria provided, single submitter. Criteria: UK Practice Guidelines For Variant Classification V4 01 2020. Collection method: clinical testing. Allele origin: germline. Inheritance: Autosomal dominant inheritance. Affected: yes. Observed: 1 variant allele.
Comment: ACMG Criteria: PVS1,PM2_SUP,PP4